The following is an entry in ClinVar:

ClinVar aggregate classification (germline): Likely benign. Review status: criteria provided, multiple submitters, no conflicts (2 of 4 stars). 2 submissions from 2 submitters: Likely benign (2). Last evaluated 2026-03-02.

Conditions:
GNAS-related disorder. Identifiers: MedGen CN380105.

gnomAD v4.1: 104 of 1,539,886 alleles (0.0068%); highest among the groups gnomAD compares: South Asian, 0.084%; 1 homozygote.

Submissions (2):

GeneDx
Classification: Likely benign. Last evaluated: 2026-03-02. Review status: criteria provided, single submitter. Criteria: GeneDx Variant Classification Process June 2021. Collection method: clinical testing. Allele origin: germline.
Comment: See Variant Classification Assertion Criteria.

PreventionGenetics, part of Exact Sciences
Classification: Likely benign for GNAS-related condition. Last evaluated: 2024-12-12. Review status: criteria provided, single submitter. Criteria: ACMG Guidelines, 2015. Collection method: clinical testing. Allele origin: germline.
Comment: This variant is classified as likely benign based on ACMG/AMP sequence variant interpretation guidelines (Richards et al. 2015 PMID: 25741868, with internal and published modifications).

NM_080425.4(GNAS):c.1299A>G (p.Ala433=)

Gene: GNAS (GNAS complex locus; plus strand). Cytogenetic location: 20q13.32.
Variant type: single nucleotide variant.
Coding change: c.1299A>G on transcript NM_080425.4 (MANE Plus Clinical); coding-DNA position 1299, A replaced by G.
Protein change: p.Ala433=; no amino-acid change (alanine 433 retained).
Molecular consequence: synonymous variant. On other transcripts: missense variant (2), intron variant (3).
Genome position (GRCh38, 1-based): chr20:58,854,564, A>G. VCF-style: chr20-58854564-A-G. GRCh37 (hg19) VCF-style: chr20-57429619-A-G.
Other names: c.1112A>G, p.Gln371Arg (NM_001077490.3, NM_001309883.1); c.1299A>G, p.Ala433= (NM_001410913.1); c.*42+13678A>G (NM_016592.5); c.43+13678A>G (NM_001410912.1); c.-39+12689A>G (NM_001309861.2); short protein forms Q371R.
Identifiers: ClinVar variation 4888079 (VCV004888079.2).